The following is an entry in ClinVar:

NM_001122630.2(CDKN1C):c.239A>G (p.Tyr80Cys)

Gene: CDKN1C (cyclin dependent kinase inhibitor 1C; minus strand). Cytogenetic location: 11p15.4.
Variant type: single nucleotide variant.
Coding change: c.239A>G on transcript NM_001122630.2 (MANE Select); coding-DNA position 239, A replaced by G.
Protein change: p.Tyr80Cys; replaces tyrosine 80 with cysteine.
Molecular consequence: missense variant.
Genome position (GRCh38, 1-based): chr11:2,885,218, T>C on the plus strand (A>G on the coding strand, the complement: CDKN1C is on the minus strand). VCF-style: chr11-2885218-T-C. GRCh37 (hg19) VCF-style: chr11-2906448-T-C.
Other names: c.272A>G, p.Tyr91Cys (NM_000076.2, NM_001362474.2); c.239A>G, p.Tyr80Cys (NM_001122631.2, NM_001362475.2); short protein forms Y80C, Y91C.
Identifiers: ClinVar variation 2580033 (VCV002580033.2), dbSNP rs2494389471, ClinGen allele CA379147132.

ClinVar aggregate classification (germline): Uncertain significance. Review status: criteria provided, multiple submitters, no conflicts (2 of 4 stars). 2 submissions from 2 submitters: Uncertain significance (2). Last evaluated 2025-02-24.

Conditions:
Inborn genetic diseases. Identifiers: MedGen C0950123, MeSH D030342.

Submissions (2):

Ambry Genetics
Classification: Uncertain significance for Inborn genetic diseases. Last evaluated: 2025-02-24. Review status: criteria provided, single submitter. Criteria: Ambry Variant Classification Scheme 2023. Collection method: clinical testing. Allele origin: germline.

GeneDx
Classification: Uncertain significance. Last evaluated: 2023-03-13. Review status: criteria provided, single submitter. Criteria: GeneDx Variant Classification Process June 2021. Collection method: clinical testing. Allele origin: germline. Affected: yes.
Comment: Not observed at significant frequency in large population cohorts (gnomAD); In silico analysis supports that this missense variant has a deleterious effect on protein structure/function; Has not been previously published as pathogenic or benign to our knowledge